The following is an entry in ClinVar:

NM_000143.4(FH):c.1297A>G (p.Asn433Asp)

Gene: FH (fumarate hydratase; minus strand). Cytogenetic location: 1q43.
Variant type: single nucleotide variant.
Coding change: c.1297A>G on transcript NM_000143.4 (MANE Select); coding-DNA position 1297, A replaced by G.
Protein change: p.Asn433Asp; replaces asparagine 433 with aspartic acid.
Molecular consequence: missense variant.
Genome position (GRCh38, 1-based): chr1:241,500,530, T>C on the plus strand (A>G on the coding strand, the complement: FH is on the minus strand). VCF-style: chr1-241500530-T-C. GRCh37 (hg19) VCF-style: chr1-241663830-T-C.
Other names: short protein forms N433D.
Identifiers: ClinVar variation 3278753 (VCV003278753.1).

ClinVar aggregate classification (germline): Uncertain significance (1 of 4 stars; one submission).

Conditions:
Hereditary cancer-predisposing syndrome. Also called: Tumor predisposition; Hereditary Cancer Syndrome; Hereditary neoplastic syndrome; Neoplastic Syndromes, Hereditary. Identifiers: Orphanet 140162, MedGen C0027672, MeSH D009386, MONDO:0015356.

Submission:

Ambry Genetics
Classification: Uncertain significance for Hereditary cancer-predisposing syndrome. Last evaluated: 2024-05-25. Review status: criteria provided, single submitter. Criteria: Ambry Variant Classification Scheme 2023. Collection method: clinical testing. Allele origin: germline.
Comment: The p.N433D variant (also known as c.1297A>G), located in coding exon 9 of the FH gene, results from an A to G substitution at nucleotide position 1297. The asparagine at codon 433 is replaced by aspartic acid, an amino acid with highly similar properties. This amino acid position is conserved. In addition, the in silico prediction for this alteration is inconclusive. Based on the available evidence, the clinical significance of this variant remains unclear.